The following is an entry in ClinVar:

NM_001267550.2(TTN):c.107225T>C (p.Ile35742Thr)

Genes: TTN (titin; minus strand), TTN-AS1 (TTN antisense RNA 1; plus strand). Cytogenetic location: 2q31.2.
Variant type: single nucleotide variant.
Coding change: c.107225T>C on transcript NM_001267550.2 (MANE Select); coding-DNA position 107225, T replaced by C.
Protein change: p.Ile35742Thr; replaces isoleucine 35742 with threonine.
Molecular consequence: missense variant.
Genome position (GRCh38, 1-based): chr2:178,528,426, A>G on the plus strand (T>C on the coding strand, the complement: TTN is on the minus strand). VCF-style: chr2-178528426-A-G. GRCh37 (hg19) VCF-style: chr2-179393153-A-G.
Other names: c.102302T>C, p.Ile34101Thr (NM_001256850.1); c.80030T>C, p.Ile26677Thr (NM_003319.4); c.99521T>C, p.Ile33174Thr (NM_133378.4); c.80405T>C, p.Ile26802Thr (NM_133432.3); c.80606T>C, p.Ile26869Thr (NM_133437.4); short protein forms I35742T, I26802T, I34101T, I26677T, I33174T, I26869T.
Identifiers: ClinVar variation 535013 (VCV000535013.7), dbSNP rs1553479315, ClinGen allele CA349401539.
Genomic context (GRCh38, chr2:178,528,426, plus strand): 5'-CGGATTTCAAGGGAGTATACATTTCTGGAGCGGCTTATGCTGACATTTGAAGAAATAGAA[A>G]TCTAAGACAAAGGAAAAAGAAAAGAAATGTTGAAGTTCTTCAGATGTGGAAGACATGGTA-3'
Protein context (NP_001254479.2, residues 35732-35752): EIEWFKNNLP[Ile35742Thr]SISSNVSISR

ClinVar aggregate classification (germline): Uncertain significance (1 of 4 stars; one submission).

Conditions:
Autosomal recessive limb-girdle muscular dystrophy type 2J (LGMDR10). Also called: Limb-girdle muscular dystrophy, type 2J; MUSCULAR DYSTROPHY, LIMB-GIRDLE, AUTOSOMAL RECESSIVE 10. Identifiers: Orphanet 140922, MedGen C1837342, MONDO:0012127, OMIM 608807.
Dilated cardiomyopathy 1G (CMD1G). Identifiers: Orphanet 154, MedGen C1858763, MONDO:0011400, OMIM 604145.

Submission:

Labcorp Genetics (formerly Invitae), Labcorp
Classification: Uncertain significance for Dilated cardiomyopathy 1G; Autosomal recessive limb-girdle muscular dystrophy type 2J. Last evaluated: 2017-12-11. Review status: criteria provided, single submitter. Criteria: Invitae Variant Classification Sherloc (09022015). Collection method: clinical testing. Allele origin: germline.
Comment: In summary, this variant is a novel missense change with unknown impact on protein function. Missense variants in this region of the TTN gene are typically not causative for cardiac disease, but may be relevant for neuromuscular disorders. However, the available evidence is currently insufficient to determine this variant’s role in disease. Therefore, it has been classified as a Variant of Uncertain Significance This variant has not been reported in the literature in individuals with TTN-related disease. This variant is not present in population databases (ExAC no frequency). This sequence change replaces isoleucine with threonine at codon 35742 of the TTN protein (p.Ile35742Thr). The isoleucine residue is highly conserved and there is a moderate physicochemical difference between isoleucine and threonine. This variant identified in the TTN gene is located in the M band of the resulting protein (PMID: 25589632). It is unclear how this variant impacts the function of this protein.

Literature cited by the submitters: PubMed 25589632.